The following is an entry in ClinVar:

ClinVar aggregate classification (germline): Uncertain significance (1 of 4 stars; one submission).

Allele frequency attached by ClinVar (database versions not stated): gnomAD 0.00001; gnomAD exomes 0.00001; ExAC 0.00003.
gnomAD v4.1: 14 of 1,613,040 alleles (0.00087%); highest among the groups gnomAD compares: Non-Finnish European, 0.0012%; no homozygotes.

Submission:

Labcorp Genetics (formerly Invitae), Labcorp
Classification: Uncertain significance. Last evaluated: 2024-10-05. Review status: criteria provided, single submitter. Criteria: Invitae Variant Classification Sherloc (09022015). Collection method: clinical testing. Allele origin: germline.
Comment: This sequence change replaces glycine, which is neutral and non-polar, with arginine, which is basic and polar, at codon 652 of the TCF3 protein (p.Gly652Arg). This variant is present in population databases (rs755856969, gnomAD 0.004%). This variant has not been reported in the literature in individuals affected with TCF3-related conditions. ClinVar contains an entry for this variant (Variation ID: 1465289). Invitae Evidence Modeling of protein sequence and biophysical properties (such as structural, functional, and spatial information, amino acid conservation, physicochemical variation, residue mobility, and thermodynamic stability) has been performed for this missense variant. However, the output from this modeling did not meet the statistical confidence thresholds required to predict the impact of this variant on TCF3 protein function. In summary, the available evidence is currently insufficient to determine the role of this variant in disease. Therefore, it has been classified as a Variant of Uncertain Significance.

NM_003200.5(TCF3):c.1954G>A (p.Gly652Arg)

Gene: TCF3 (transcription factor 3; minus strand). Cytogenetic location: 19p13.3.
Variant type: single nucleotide variant.
Coding change: c.1954G>A on transcript NM_003200.5 (MANE Select); coding-DNA position 1954, G replaced by A.
Protein change: p.Gly652Arg; replaces glycine 652 with arginine.
Molecular consequence: missense variant.
Genome position (GRCh38, 1-based): chr19:1,611,718, C>T on the plus strand (G>A on the coding strand, the complement: TCF3 is on the minus strand). VCF-style: chr19-1611718-C-T. GRCh37 (hg19) VCF-style: chr19-1611717-C-T.
Other names: c.1945G>A, p.Gly649Arg (NM_001136139.4, NM_001351779.2); c.1951G>A, p.Gly651Arg (NM_001351778.2); short protein forms G649R, G652R, G651R.
Identifiers: ClinVar variation 1465289 (VCV001465289.8), dbSNP rs755856969, ClinGen allele CA9049493.
Genomic context (GRCh38, chr19:1,611,718, plus strand): 5'-CAGAGCACAGGGCTGAAAGCGGGTGGCTCGTCCCACGGAGGCATACCTTTCACATGTGCC[C>T]GGCGGGGTTGTGGGCTTCGCTCAGGCCTGGGTGGGGAGCTGAAAGCACCATCTGGGGGTC-3'
Protein context (NP_003191.1, residues 642-654): PGLSEAHNPA[Gly652Arg]HM